The following is an entry in ClinVar:

ClinVar aggregate classification (germline): Likely benign (1 of 4 stars; one submission).

gnomAD v4.1: 7 of 1,613,604 alleles (0.00043%); highest among the groups gnomAD compares: Non-Finnish European, 0.00059%; no homozygotes.

Submission:

CeGaT Center for Human Genetics Tuebingen
Classification: Likely benign. Last evaluated: 2026-02-01. Review status: criteria provided, single submitter. Criteria: CeGaT Center For Human Genetics Tuebingen Variant Classification Criteria Version 2. Collection method: clinical testing. Allele origin: germline. Affected: yes. Observed: 1 variant allele.
Comment: SNF8: BP4, BP7

NM_007241.4(SNF8):c.174C>T (p.Ile58=)

Gene: SNF8 (SNF8 subunit of ESCRT-II; minus strand). Cytogenetic location: 17q21.32.
Variant type: single nucleotide variant.
Coding change: c.174C>T on transcript NM_007241.4 (MANE Select); coding-DNA position 174, C replaced by T.
Protein change: p.Ile58=; no amino-acid change (isoleucine 58 retained).
Molecular consequence: synonymous variant. On other transcripts: 5 prime UTR variant (1), non-coding transcript variant (1).
Genome position (GRCh38, 1-based): chr17:48,940,994, G>A on the plus strand (C>T on the coding strand, the complement: SNF8 is on the minus strand). VCF-style: chr17-48940994-G-A. GRCh37 (hg19) VCF-style: chr17-47018356-G-A.
Other names: c.174C>T, p.Ile58= (NM_001317192.2); c.123C>T, p.Ile41= (NM_001317193.2); c.-229C>T (NM_001317194.2).
Identifiers: ClinVar variation 4823558 (VCV004823558.4).